The following is an entry in ClinVar:

NM_001355436.2(SPTB):c.6748AAG[3] (p.Lys2253del)

Genes: PLEKHG3 (pleckstrin homology and RhoGEF domain containing G3; plus strand), SPTB (spectrin beta, erythrocytic; minus strand). Cytogenetic location: 14q23.3.
Variant type: Microsatellite.
Coding change: c.6748AAG[3] on transcript NM_001355436.2 (MANE Select); three copies in a row of the 3-base unit AAG starting at c.6748; the reference has four copies in a row; one copy, 3 bases deleted; also written c.6757_6759del.
Protein change: p.Lys2253del; deletes lysine 2253.
Molecular consequence: inframe deletion. On other transcripts: 3 prime UTR variant (1).
Genome position (GRCh38, 1-based): chr14:64,749,998-64,750,000, CTT deleted on the plus strand (AAG on the coding strand, the reverse complement: SPTB is on the minus strand); deleting any 3 consecutive bases within chr14:64,749,998-64,750,009 gives the same sequence; the position shown is the placement nearest the transcript's 3' end. VCF-style (leftmost placement, unchanged base first): chr14-64749997-GCTT-G. GRCh37 (hg19) VCF-style: chr14-65216715-GCTT-G.
Other names: p.Lys2253del; c.6757_6759del (NM_001355436.2); c.*6295CTT[3] (NM_001308147.2); c.6748AAG[3], p.Lys2253del (NM_001024858.4); short protein forms K2253del.
Identifiers: ClinVar variation 2436443 (VCV002436443.6), dbSNP rs753593714, ClinGen allele CA7229418.

ClinVar aggregate classification (germline): Conflicting classifications of pathogenicity. Review status: criteria provided, conflicting classifications (1 of 4 stars). 4 submissions from 4 submitters: Uncertain significance (2); Likely benign (2). Last evaluated 2024-09-30.

Submissions (4):

Blueprint Genetics
Classification: Likely benign. Last evaluated: 2024-09-30. Review status: criteria provided, single submitter. Criteria: ACMG Guidelines, 2015. Collection method: clinical testing. Allele origin: germline.

ARUP Laboratories, Molecular Genetics and Genomics, ARUP Laboratories
Classification: Uncertain significance. Last evaluated: 2024-04-30. Review status: criteria provided, single submitter. Criteria: ARUP Molecular Germline Variant Investigation Process 2024. Collection method: clinical testing. Allele origin: germline.

Revvity Omics, Revvity
Classification: Likely benign. Last evaluated: 2023-12-20. Review status: criteria provided, single submitter. Criteria: ACMG Guidelines, 2015. Collection method: clinical testing. Allele origin: germline.

Mayo Clinic Laboratories, Mayo Clinic
Classification: Uncertain significance. Last evaluated: 2022-12-01. Review status: criteria provided, single submitter. Criteria: ACMG Guidelines, 2015. Collection method: clinical testing. Allele origin: germline. Observed: 4 variant alleles.
Comment: PM4